The following is an entry in ClinVar:

ClinVar aggregate classification (germline): Uncertain significance (1 of 4 stars; one submission).

Allele frequency attached by ClinVar (database versions not stated): gnomAD exomes 0.00003; ExAC 0.00005; TOPMed below 0.00001.
gnomAD v4.1: 43 of 1,566,874 alleles (0.0027%); highest among the groups gnomAD compares: Non-Finnish European, 0.0035%; no homozygotes.

Submission:

Labcorp Genetics (formerly Invitae), Labcorp
Classification: Uncertain significance. Last evaluated: 2025-02-09. Review status: criteria provided, single submitter. Criteria: Invitae Variant Classification Sherloc (09022015). Collection method: clinical testing. Allele origin: germline.
Comment: This sequence change replaces serine, which is neutral and polar, with asparagine, which is neutral and polar, at codon 19 of the RNF31 protein (p.Ser19Asn). The frequency data for this variant in the population databases is considered unreliable, as metrics indicate poor data quality at this position in the gnomAD database. This variant has not been reported in the literature in individuals affected with RNF31-related conditions. ClinVar contains an entry for this variant (Variation ID: 3000902). An algorithm developed to predict the effect of missense changes on protein structure and function outputs the following: PolyPhen-2: "Benign". The asparagine amino acid residue is found in multiple mammalian species, which suggests that this missense change does not adversely affect protein function. In summary, the available evidence is currently insufficient to determine the role of this variant in disease. Therefore, it has been classified as a Variant of Uncertain Significance.

NM_017999.5(RNF31):c.56G>A (p.Ser19Asn)

Genes: RNF31 (ring finger protein 31; plus strand), LOC121468009 (Sharpr-MPRA regulatory region 11827; plus strand). Cytogenetic location: 14q12.
Variant type: single nucleotide variant.
Coding change: c.56G>A on transcript NM_017999.5 (MANE Select); coding-DNA position 56, G replaced by A.
Protein change: p.Ser19Asn; replaces serine 19 with asparagine.
Molecular consequence: missense variant. On other transcripts: intron variant (1).
Genome position (GRCh38, 1-based): chr14:24,147,754, G>A. VCF-style: chr14-24147754-G-A. GRCh37 (hg19) VCF-style: chr14-24616963-G-A.
Other names: c.-325-222G>A (NM_001310332.2); short protein forms S19N.
Identifiers: ClinVar variation 3000902 (VCV003000902.3), dbSNP rs752398891, ClinGen allele CA7125352.
Genomic context (GRCh38, chr14:24,147,754, plus strand): 5'-TCAGGATGCCGGGGGAGGAAGAGGAGCGGGCCTTCCTGGTGGCCCGCGAGGAGCTGGCGA[G>A]CGCCCTGAGGAGGGATTCCGGGCAGGCGTTTTCCCTGGAGCAGCTCCGGCCGCTACTAGC-3'
Protein context (NP_060469.4, residues 9-29): AFLVAREELA[Ser19Asn]ALRRDSGQAF